The following is an entry in ClinVar:

NM_003356.4(UCP3):c.601G>A (p.Asp201Asn)

Genes: UCP3 (uncoupling protein 3; minus strand), LOC126861261 (MED14-independent group 3 enhancer GRCh37_chr11:73715060-73716259; plus strand). Cytogenetic location: 11q13.4.
Variant type: single nucleotide variant.
Coding change: c.601G>A on transcript NM_003356.4 (MANE Select); coding-DNA position 601, G replaced by A.
Protein change: p.Asp201Asn; replaces aspartic acid 201 with asparagine.
Molecular consequence: missense variant.
Genome position (GRCh38, 1-based): chr11:74,004,526, C>T on the plus strand (G>A on the coding strand, the complement: UCP3 is on the minus strand). VCF-style: chr11-74004526-C-T. GRCh37 (hg19) VCF-style: chr11-73715571-C-T.
Other names: c.601G>A, p.Asp201Asn (NM_022803.3); short protein forms D201N.
Identifiers: ClinVar variation 2378945 (VCV002378945.7), dbSNP rs201993988, ClinGen allele CA6181427.

ClinVar aggregate classification (germline): Uncertain significance. Review status: criteria provided, multiple submitters, no conflicts (2 of 4 stars). 3 submissions from 3 submitters: Uncertain significance (3). Last evaluated 2026-08-22.

Conditions:
UCP3-related disorder. Also called: UCP3-related condition.

Allele frequency attached by ClinVar (database versions not stated): gnomAD 0.00009; ExAC 0.00012; 1000 Genomes Project 30x 0.00016; 1000 Genomes Project 0.00020; TOPMed 0.00007.
gnomAD v4.1: 120 of 1,614,102 alleles (0.0074%); highest among the groups gnomAD compares: East Asian, 0.069%; no homozygotes.

Submissions (3):

PreventionGenetics, part of Exact Sciences
Classification: Uncertain significance for UCP3-related condition. Last evaluated: 2026-08-22. Review status: criteria provided, single submitter. Criteria: ACMG Guidelines, 2015. Collection method: clinical testing. Allele origin: germline.
Comment: The UCP3 c.601G>A variant is predicted to result in the amino acid substitution p.Asp201Asn. This variant has been reported in an individual with non-syndromic pediatric obesity (Hui et al. 2025. PubMed ID: 40329189). This variant is reported in 0.070% of alleles in individuals of East Asian descent in gnomAD. Although we suspect that this variant may be benign, at this time, the clinical significance of this variant is uncertain due to the absence of conclusive functional and genetic evidence.

Ambry Genetics
Classification: Uncertain significance. Last evaluated: 2024-10-29. Review status: criteria provided, single submitter. Criteria: Ambry Variant Classification Scheme 2023. Collection method: clinical testing. Allele origin: germline.

Blueprint Genetics
Classification: Uncertain significance. Last evaluated: 2024-05-28. Review status: criteria provided, single submitter. Criteria: ACMG Guidelines, 2015. Collection method: clinical testing. Allele origin: germline.